The following is an entry in ClinVar:

ClinVar aggregate classification (germline): Uncertain significance (1 of 4 stars; one submission).

Conditions:
Cardiovascular phenotype. Identifiers: MedGen CN230736.

Submission:

Ambry Genetics
Classification: Uncertain significance for Cardiovascular phenotype. Last evaluated: 2024-10-28. Review status: criteria provided, single submitter. Criteria: Ambry Variant Classification Scheme 2023. Collection method: clinical testing. Allele origin: germline.
Comment: The p.P56Q variant (also known as c.167C>A), located in coding exon 1 of the SNTA1 gene, results from a C to A substitution at nucleotide position 167. The proline at codon 56 is replaced by glutamine, an amino acid with similar properties. This amino acid position is conserved. In addition, this alteration is predicted to be tolerated by in silico analysis. Based on the available evidence, the clinical significance of this variant remains unclear.

NM_003098.3(SNTA1):c.167C>A (p.Pro56Gln)

Gene: SNTA1 (syntrophin alpha 1; minus strand). Cytogenetic location: 20q11.21.
Variant type: single nucleotide variant.
Coding change: c.167C>A on transcript NM_003098.3 (MANE Select); coding-DNA position 167, C replaced by A.
Protein change: p.Pro56Gln; replaces proline 56 with glutamine.
Molecular consequence: missense variant.
Genome position (GRCh38, 1-based): chr20:33,443,454, G>T on the plus strand (C>A on the coding strand, the complement: SNTA1 is on the minus strand). VCF-style: chr20-33443454-G-T. GRCh37 (hg19) VCF-style: chr20-32031260-G-T.
Other names: c.167C>A, p.Pro56Gln (NM_001424413.1, NM_001424414.1); short protein forms P56Q.
Identifiers: ClinVar variation 3446831 (VCV003446831.1).
Genomic context (GRCh38, chr20:33,443,454, plus strand): 5'-TGCGGGGGCCCGGCGCCCGGCTCCGCGGCGCCGTTGAGCTGCGCGGGCTCCTGCTCCCGC[G>T]GAGCGCCGGGCTCGGGACCAGGGTCGCCGTCGGCGGGGCTCACGGTCAGCACGTCCTCCG-3'
Protein context (NP_003089.1, residues 46-66): DGDPGPEPGA[Pro56Gln]REQEPAQLNG